The following is an entry in ClinVar:

NM_014244.5(ADAMTS2):c.2398G>A (p.Glu800Lys)

Gene: ADAMTS2 (ADAM metallopeptidase with thrombospondin type 1 motif 2; minus strand). Cytogenetic location: 5q35.3.
Variant type: single nucleotide variant.
Coding change: c.2398G>A on transcript NM_014244.5 (MANE Select); coding-DNA position 2398, G replaced by A.
Protein change: p.Glu800Lys; replaces glutamic acid 800 with lysine.
Molecular consequence: missense variant.
Genome position (GRCh38, 1-based): chr5:179,129,991, C>T on the plus strand (G>A on the coding strand, the complement: ADAMTS2 is on the minus strand). VCF-style: chr5-179129991-C-T. GRCh37 (hg19) VCF-style: chr5-178556992-C-T.
Other names: short protein forms E800K.
Identifiers: ClinVar variation 654587 (VCV000654587.8), dbSNP rs747447840, ClinGen allele CA133033115.

ClinVar aggregate classification (germline): Uncertain significance. Review status: criteria provided, multiple submitters, no conflicts (2 of 4 stars). 4 submissions from 4 submitters: Uncertain significance (3). 1 of the submissions does not count toward it. Last evaluated 2026-03-06.

Conditions:
Inborn genetic diseases. Identifiers: MedGen C0950123, MeSH D030342.
Ehlers-Danlos syndrome, dermatosparaxis type. Also called: Ehlers-Danlos syndrome, type VII, autosomal recessive; EDS VIIC; Dermatosparaxis. Identifiers: Orphanet 1901, MedGen C2700425, MONDO:0009161, OMIM 225410.

Allele frequency attached by ClinVar (database versions not stated): TOPMed below 0.00001; gnomAD exomes 0.00002.
gnomAD v4.1: 23 of 1,614,102 alleles (0.0014%); highest among the groups gnomAD compares: East Asian, 0.0022%; no homozygotes.

Submissions (4):

Myriad Genetics, Inc.
Classification: Uncertain significance for Ehlers-Danlos syndrome, dermatosparaxis type. Last evaluated: 2026-03-06. Review status: criteria provided, single submitter. Criteria: Myriad Autosomal Dominant, Autosomal Recessive and X-Linked Classification Criteria (2023). Collection method: clinical testing. Allele origin: unknown.
Comment: NM_014244.4(ADAMTS2):c.2398G>A(E800K) is a missense variant classified as a variant of uncertain significance in the context of Ehlers-Danlos syndrome, ADAMTS2-related. E800K has not been observed in cases with relevant disease. Relevant functional assessments of this variant are not available in the literature. E800K has not been observed in referenced population frequency databases. In summary, there is insufficient evidence to classify NM_014244.4(ADAMTS2):c.2398G>A(E800K) as pathogenic or benign. Please note: this variant was assessed in the context of healthy population screening.

Ambry Genetics
Classification: Uncertain significance for Inborn genetic diseases. Last evaluated: 2024-07-02. Review status: criteria provided, single submitter. Criteria: Ambry Variant Classification Scheme 2023. Collection method: clinical testing. Allele origin: germline.

Labcorp Genetics (formerly Invitae), Labcorp
Classification: Uncertain significance for Ehlers-Danlos syndrome, dermatosparaxis type. Last evaluated: 2021-08-24. Review status: criteria provided, single submitter. Criteria: Invitae Variant Classification Sherloc (09022015). Collection method: clinical testing. Allele origin: germline.
Comment: This sequence change replaces glutamic acid with lysine at codon 800 of the ADAMTS2 protein (p.Glu800Lys). The glutamic acid residue is moderately conserved and there is a small physicochemical difference between glutamic acid and lysine. This variant is not present in population databases (ExAC no frequency). This variant has not been reported in the literature in individuals affected with ADAMTS2-related conditions. Algorithms developed to predict the effect of missense changes on protein structure and function (SIFT, PolyPhen-2, Align-GVGD) all suggest that this variant is likely to be tolerated. In summary, the available evidence is currently insufficient to determine the role of this variant in disease. Therefore, it has been classified as a Variant of Uncertain Significance.

Natera, Inc.
Classification: Uncertain significance for Ehlers-Danlos syndrome type VIIC. Last evaluated: 2021-04-23. Review status: no assertion criteria provided. Collection method: clinical testing. Allele origin: germline. Not counted in ClinVar's aggregate classification.